The following is an entry in ClinVar:

ClinVar aggregate classification (germline): Uncertain significance. Review status: criteria provided, multiple submitters, no conflicts (2 of 4 stars). 2 submissions from 2 submitters: Uncertain significance (2). Last evaluated 2024-12-24.

Conditions:
Multiple endocrine neoplasia, type 1 (MEN1). Also called: MEN I; WERMER SYNDROME; MEA I; Endocrine adenomatosis multiple; MEN 1. Identifiers: Orphanet 652, MedGen C0025267, MeSH D018761, MONDO:0007540, OMIM 131100.

Submissions (2):

Labcorp Genetics (formerly Invitae), Labcorp
Classification: Uncertain significance for Multiple endocrine neoplasia, type 1. Last evaluated: 2024-12-24. Review status: criteria provided, single submitter. Criteria: Invitae Variant Classification Sherloc (09022015). Collection method: clinical testing. Allele origin: germline.
Comment: This sequence change replaces asparagine, which is neutral and polar, with lysine, which is basic and polar, at codon 51 of the MEN1 protein (p.Asn51Lys). This variant is not present in population databases (gnomAD no frequency). This variant has not been reported in the literature in individuals affected with MEN1-related conditions. ClinVar contains an entry for this variant (Variation ID: 1705044). Invitae Evidence Modeling of protein sequence and biophysical properties (such as structural, functional, and spatial information, amino acid conservation, physicochemical variation, residue mobility, and thermodynamic stability) has been performed for this missense variant. However, the output from this modeling did not meet the statistical confidence thresholds required to predict the impact of this variant on MEN1 protein function. In summary, the available evidence is currently insufficient to determine the role of this variant in disease. Therefore, it has been classified as a Variant of Uncertain Significance.

Women's Health and Genetics/Laboratory Corporation of America, LabCorp
Classification: Uncertain significance. Last evaluated: 2022-08-04. Review status: criteria provided, single submitter. Criteria: LabCorp Variant Classification Summary - May 2015. Collection method: clinical testing. Allele origin: germline.
Comment: Variant summary: MEN1 c.153C>A (p.Asn51Lys) results in a non-conservative amino acid change in the encoded protein sequence. Three of four in-silico tools predict a damaging effect of the variant on protein function. The variant was absent in 198042 control chromosomes. The available data on variant occurrences in the general population are insufficient to allow any conclusion about variant significance. To our knowledge, no occurrence of c.153C>A in individuals affected with Multiple Endocrine Neoplasia Type 1 and no experimental evidence demonstrating its impact on protein function have been reported. No clinical diagnostic laboratories have submitted clinical-significance assessments for this variant to ClinVar after 2014. Based on the evidence outlined above, the variant was classified as uncertain significance.

NM_001370259.2(MEN1):c.153C>A (p.Asn51Lys)

Gene: MEN1 (menin 1; minus strand). Cytogenetic location: 11q13.1.
Variant type: single nucleotide variant.
Coding change: c.153C>A on transcript NM_001370259.2 (MANE Select); coding-DNA position 153, C replaced by A.
Protein change: p.Asn51Lys; replaces asparagine 51 with lysine.
Molecular consequence: missense variant.
Genome position (GRCh38, 1-based): chr11:64,809,957, G>T on the plus strand (C>A on the coding strand, the complement: MEN1 is on the minus strand). VCF-style: chr11-64809957-G-T. GRCh37 (hg19) VCF-style: chr11-64577429-G-T.
Other names: c.153C>A, p.Asn51Lys (NM_001407150.1, NM_001407151.1, NM_001407152.1 and 20 more transcripts); short protein forms N51K.
Identifiers: ClinVar variation 1705044 (VCV001705044.3), dbSNP rs1555166669, ClinGen allele CA381187777.
Genomic context (GRCh38, chr11:64,809,957, plus strand): 5'-CGGGTCGGGGGCGGGGCTGGGCTGGAAGGTGAGCTCGGGAACGTTGGTAGGGATGACGCG[G>T]TTGACAGCCAGAAAATGCTCCACGAAGCCCAGCACCAAGGAAAGGAGCACCAGGTCCGGC-3'
Protein context (NP_001357188.2, residues 41-61): LGFVEHFLAV[Asn51Lys]RVIPTNVPEL